The following is an entry in ClinVar:

NM_001458.5(FLNC):c.5333T>C (p.Met1778Thr)

Genes: FLNC (filamin C; plus strand), FLNC-AS1 (FLNC antisense RNA 1; minus strand). Cytogenetic location: 7q32.1.
Variant type: single nucleotide variant.
Coding change: c.5333T>C on transcript NM_001458.5 (MANE Select); coding-DNA position 5333, T replaced by C.
Protein change: p.Met1778Thr; replaces methionine 1778 with threonine.
Molecular consequence: missense variant.
Genome position (GRCh38, 1-based): chr7:128,850,418, T>C. VCF-style: chr7-128850418-T-C. GRCh37 (hg19) VCF-style: chr7-128490472-T-C.
Other names: c.5234T>C, p.Met1745Thr (NM_001127487.2); short protein forms M1778T, M1745T.
Identifiers: ClinVar variation 3279219 (VCV003279219.3).
Genomic context (GRCh38, chr7:128,850,418, plus strand): 5'-TGACTGTTCCCTCTCACCTGCTGCAGGCCACAGAGGAGCCAGTGGTGCCTGTGGAGCCAA[T>C]GGAGTCCATGCTGAGGCCCTTCAACCTGGTCATCCCCTTCGCGGTGCAGAAAGGGGAGCT-3'
Protein context (NP_001449.3, residues 1768-1788): TEEPVVPVEP[Met1778Thr]ESMLRPFNLV

ClinVar aggregate classification (germline): Uncertain significance. Review status: criteria provided, multiple submitters, no conflicts (2 of 4 stars). 2 submissions from 2 submitters: Uncertain significance (2). Last evaluated 2024-04-28.

Conditions:
Cardiovascular phenotype. Identifiers: MedGen CN230736.
Distal myopathy with posterior leg and anterior hand involvement. Also called: WILLIAMS DISTAL MYOPATHY. Identifiers: Orphanet 63273, MedGen C3279722, MONDO:0013550, OMIM 614065.
Myofibrillar myopathy 5. Also called: Filaminopathy (type); FILAMINOPATHY, AUTOSOMAL DOMINANT. Identifiers: Orphanet 171445, MedGen C1836050, MONDO:0012289, OMIM 609524.
Hypertrophic cardiomyopathy 26. Also called: Cardiomyopathy, familial hypertrophic, 26. Identifiers: Orphanet 75249, MedGen C4310749, MONDO:0014883, OMIM 617047.

Submissions (2):

Ambry Genetics
Classification: Uncertain significance for Cardiovascular phenotype. Last evaluated: 2024-04-28. Review status: criteria provided, single submitter. Criteria: Ambry Variant Classification Scheme 2023. Collection method: clinical testing. Allele origin: germline.
Comment: The p.M1778T variant (also known as c.5333T>C), located in coding exon 32 of the FLNC gene, results from a T to C substitution at nucleotide position 5333. The methionine at codon 1778 is replaced by threonine, an amino acid with similar properties. This amino acid position is conserved. In addition, this alteration is predicted to be tolerated by in silico analysis. Based on the available evidence, the clinical significance of this variant remains unclear.

Labcorp Genetics (formerly Invitae), Labcorp
Classification: Uncertain significance for Distal myopathy with posterior leg and anterior hand involvement; Myofibrillar myopathy 5; Hypertrophic cardiomyopathy 26. Last evaluated: 2024-03-25. Review status: criteria provided, single submitter. Criteria: Invitae Variant Classification Sherloc (09022015). Collection method: clinical testing. Allele origin: germline.
Comment: This sequence change replaces methionine, which is neutral and non-polar, with threonine, which is neutral and polar, at codon 1778 of the FLNC protein (p.Met1778Thr). This variant is not present in population databases (gnomAD no frequency). This variant has not been reported in the literature in individuals affected with FLNC-related conditions. Advanced modeling of protein sequence and biophysical properties (such as structural, functional, and spatial information, amino acid conservation, physicochemical variation, residue mobility, and thermodynamic stability) has been performed at Invitae for this missense variant, however the output from this modeling did not meet the statistical confidence thresholds required to predict the impact of this variant on FLNC protein function. In summary, the available evidence is currently insufficient to determine the role of this variant in disease. Therefore, it has been classified as a Variant of Uncertain Significance.